The following is an entry in ClinVar:

NM_144997.7(FLCN):c.949A>T (p.Thr317Ser)

Gene: FLCN (folliculin; minus strand). Cytogenetic location: 17p11.2.
Variant type: single nucleotide variant.
Coding change: c.949A>T on transcript NM_144997.7 (MANE Select); coding-DNA position 949, A replaced by T.
Protein change: p.Thr317Ser; replaces threonine 317 with serine.
Molecular consequence: missense variant.
Genome position (GRCh38, 1-based): chr17:17,219,132, T>A on the plus strand (A>T on the coding strand, the complement: FLCN is on the minus strand). VCF-style: chr17-17219132-T-A. GRCh37 (hg19) VCF-style: chr17-17122446-T-A.
Other names: c.949A>T (LRG_325t1); c.1003A>T, p.Thr335Ser (NM_001353229.2); c.949A>T, p.Thr317Ser (NM_001353230.2, NM_001353231.2); short protein forms T317S, T335S.
Identifiers: ClinVar variation 653928 (VCV000653928.6), dbSNP rs147142086, ClinGen allele CA398532940.
Genomic context (GRCh38, chr17:17,219,132, plus strand): 5'-TCCCACAGCCTGAGAGAGAGGAGGACTCTGCCGGGCCCTGGGTCAGCTCCCGCCCTTCTG[T>A]ACTCTCTGGCAACACAGGGGCTTTCTCCTCCTCTTCAGCCTCAGAGTTGTCCCAGCTTTC-3'
Protein context (NP_659434.2, residues 307-327): EEKAPVLPES[Thr317Ser]EGRELTQGPA

ClinVar aggregate classification (germline): Uncertain significance (1 of 4 stars; one submission).

Conditions:
Birt-Hogg-Dube syndrome. Also called: Birt Hogg Dubé syndrome. Identifiers: Orphanet 122, MedGen C0346010, MONDO:0800444.

Submission:

Labcorp Genetics (formerly Invitae), Labcorp
Classification: Uncertain significance for Birt-Hogg-Dube syndrome. Last evaluated: 2025-08-07. Review status: criteria provided, single submitter. Criteria: Invitae Variant Classification Sherloc (09022015). Collection method: clinical testing. Allele origin: germline.
Comment: This sequence change replaces threonine, which is neutral and polar, with serine, which is neutral and polar, at codon 317 of the FLCN protein (p.Thr317Ser). This variant is not present in population databases (gnomAD no frequency). This variant has not been reported in the literature in individuals affected with FLCN-related conditions. ClinVar contains an entry for this variant (Variation ID: 653928). An algorithm developed to predict the effect of missense changes on protein structure and function (PolyPhen-2) suggests that this variant is likely to be tolerated. In summary, the available evidence is currently insufficient to determine the role of this variant in disease. Therefore, it has been classified as a Variant of Uncertain Significance.